The following is an entry in ClinVar:

NM_004655.4(AXIN2):c.2302T>C (p.Tyr768His)

Gene: AXIN2 (axin 2; minus strand). Cytogenetic location: 17q24.1.
Variant type: single nucleotide variant.
Coding change: c.2302T>C on transcript NM_004655.4 (MANE Select); coding-DNA position 2302, T replaced by C.
Protein change: p.Tyr768His; replaces tyrosine 768 with histidine.
Molecular consequence: missense variant.
Genome position (GRCh38, 1-based): chr17:65,534,015, A>G on the plus strand (T>C on the coding strand, the complement: AXIN2 is on the minus strand). VCF-style: chr17-65534015-A-G. GRCh37 (hg19) VCF-style: chr17-63530133-A-G.
Other names: c.2302T>C (LRG_296t1); c.2107T>C, p.Tyr703His (NM_001363813.1); short protein forms Y703H, Y768H.
Identifiers: ClinVar variation 648156 (VCV000648156.13), dbSNP rs750962952, ClinGen allele CA8718325.

ClinVar aggregate classification (germline): Uncertain significance. Review status: criteria provided, multiple submitters, no conflicts (2 of 4 stars). 3 submissions from 3 submitters: Uncertain significance (3). Last evaluated 2025-11-05.

Conditions:
Colorectal cancer. Also called: Malignant Colorectal Neoplasm; Colorectal cancer, somatic. Identifiers: MedGen C0346629, MONDO:0005575, OMIM 114500.
Hereditary cancer-predisposing syndrome. Also called: Neoplastic Syndromes, Hereditary; Tumor predisposition; Hereditary Cancer Syndrome; Hereditary neoplastic syndrome. Identifiers: Orphanet 140162, MedGen C0027672, MeSH D009386, MONDO:0015356.
Oligodontia-cancer predisposition syndrome. Also called: TOOTH AGENESIS-COLORECTAL CANCER SYNDROME. Identifiers: Orphanet 300576, MedGen C1837750, MONDO:0012075, OMIM 608615. Disease mechanism: loss of function.

Allele frequency attached by ClinVar (database versions not stated): gnomAD exomes below 0.00001; ExAC 0.00001.
gnomAD v4.1: 1 of 1,614,262 alleles (0.000062%); highest among the groups gnomAD compares: Admixed American, 0.0017%; no homozygotes.

Submissions (3):

Labcorp Genetics (formerly Invitae), Labcorp
Classification: Uncertain significance for Oligodontia-cancer predisposition syndrome. Last evaluated: 2025-11-05. Review status: criteria provided, single submitter. Criteria: Invitae Variant Classification Sherloc (09022015). Collection method: clinical testing. Allele origin: germline.
Comment: This sequence change replaces tyrosine, which is neutral and polar, with histidine, which is basic and polar, at codon 768 of the AXIN2 protein (p.Tyr768His). This variant is present in population databases (rs750962952, gnomAD 0.003%). This variant has not been reported in the literature in individuals affected with AXIN2-related conditions. ClinVar contains an entry for this variant (Variation ID: 648156). Invitae Evidence Modeling of protein sequence and biophysical properties (such as structural, functional, and spatial information, amino acid conservation, physicochemical variation, residue mobility, and thermodynamic stability) indicates that this missense variant is expected to disrupt AXIN2 protein function with a positive predictive value of 80%. In summary, the available evidence is currently insufficient to determine the role of this variant in disease. Therefore, it has been classified as a Variant of Uncertain Significance.

Ambry Genetics
Classification: Uncertain significance for Hereditary cancer-predisposing syndrome. Last evaluated: 2024-07-02. Review status: criteria provided, single submitter. Criteria: Ambry Variant Classification Scheme 2023. Collection method: clinical testing. Allele origin: germline.
Comment: The p.Y768H variant (also known as c.2302T>C), located in coding exon 9 of the AXIN2 gene, results from a T to C substitution at nucleotide position 2302. The tyrosine at codon 768 is replaced by histidine, an amino acid with similar properties. This amino acid position is conserved. In addition, this alteration is predicted to be deleterious by in silico analysis. Since supporting evidence is limited at this time, the clinical significance of this alteration remains unclear.

Baylor Genetics
Classification: Uncertain significance for Colorectal cancer. Last evaluated: 2023-10-14. Review status: criteria provided, single submitter. Criteria: ACMG Guidelines, 2015. Collection method: clinical testing. Allele origin: unknown.